The following is an entry in ClinVar:

NM_001124758.3(SPNS2):c.279del (p.Lys93fs)

Genes: SPNS2 (SPNS lysolipid transporter 2, sphingosine-1-phosphate; plus strand), SPNS2-AS1 (SPNS2 antisense RNA 1; minus strand). Cytogenetic location: 17p13.2.
Variant type: Deletion.
Coding change: c.279del on transcript NM_001124758.3 (MANE Select); coding-DNA position 279, one base deleted (A; older notation c.279delA).
Protein change: p.Lys93fs; shifts the reading frame from lysine 93.
Molecular consequence: frameshift variant.
Genome position (GRCh38, 1-based): chr17:4,499,326, A deleted; the last of 3 consecutive A bases (chr17:4,499,324-4,499,326); deleting any one gives the same sequence. VCF-style (leftmost placement, unchanged base first): chr17-4499323-CA-C. GRCh37 (hg19) VCF-style: chr17-4402618-CA-C.
Other names: short protein forms K93fs.
Identifiers: ClinVar variation 4850707 (VCV004850707.1).

ClinVar aggregate classification (germline): Likely pathogenic (1 of 4 stars; one submission).

Conditions:
Hearing loss, autosomal recessive 115. Also called: Deafness, autosomal recessive 115. Identifiers: MedGen C5193108, MONDO:0032762, OMIM 618457.

Submission:

Variantyx, Inc.
Classification: Likely pathogenic for Hearing loss, autosomal recessive 115. Last evaluated: 2025-08-13. Review status: criteria provided, single submitter. Criteria: Variantyx Assertion Criteria 2022. Collection method: clinical testing. Allele origin: germline. Inheritance: Autosomal recessive inheritance. Affected: no.
Comment: This is a frameshift variant in the SPNS2 gene (OMIM: 612584). Pathogenic variants in this gene have been associated with autosomal recessive deafness 115. This variant introduces a premature termination codon in exon 1 out of 13a nd is expected to result in loss of function, which is a known disease mechanism for SPNS2 in this disorder (PMID: 25356849, 30973865) (PVS1). This variant is absent from control populations (PM2), and it has not been reported in individuals with SPNS2-related disorders in the databases available for review. Based on the current evidence, this variant is classified as uncertain for autosomal recessive deafness 115.

Literature cited by the submitters: PubMed 25356849; PubMed 30973865.